The following is an entry in ClinVar:

ClinVar aggregate classification (germline): Uncertain significance (1 of 4 stars; one submission).

Submission:

Labcorp Genetics (formerly Invitae), Labcorp
Classification: Uncertain significance. Last evaluated: 2022-02-02. Review status: criteria provided, single submitter. Criteria: Invitae Variant Classification Sherloc (09022015). Collection method: clinical testing. Allele origin: germline.
Comment: In summary, the available evidence is currently insufficient to determine the role of this variant in disease. Therefore, it has been classified as a Variant of Uncertain Significance. Advanced modeling of protein sequence and biophysical properties (such as structural, functional, and spatial information, amino acid conservation, physicochemical variation, residue mobility, and thermodynamic stability) performed at Invitae indicates that this missense variant is not expected to disrupt COL11A2 protein function. This variant has not been reported in the literature in individuals affected with COL11A2-related conditions. This variant is not present in population databases (gnomAD no frequency). This sequence change replaces arginine, which is basic and polar, with glycine, which is neutral and non-polar, at codon 486 of the COL11A2 protein (p.Arg486Gly).

NM_080680.3(COL11A2):c.1456C>G (p.Arg486Gly)

Gene: COL11A2 (collagen type XI alpha 2 chain; minus strand). Cytogenetic location: 6p21.32.
Variant type: single nucleotide variant.
Coding change: c.1456C>G on transcript NM_080680.3 (MANE Select); coding-DNA position 1456, C replaced by G.
Protein change: p.Arg486Gly; replaces arginine 486 with glycine.
Molecular consequence: missense variant.
Genome position (GRCh38, 1-based): chr6:33,179,478, G>C on the plus strand (C>G on the coding strand, the complement: COL11A2 is on the minus strand). VCF-style: chr6-33179478-G-C. GRCh37 (hg19) VCF-style: chr6-33147255-G-C.
Other names: c.1135C>G, p.Arg379Gly (NM_080679.3); c.1198C>G, p.Arg400Gly (NM_080681.3); short protein forms R379G, R400G, R486G.
Identifiers: ClinVar variation 2092137 (VCV002092137.4), dbSNP rs1353213633, ClinGen allele CA363605891.